The following is an entry in ClinVar:

ClinVar aggregate classification (germline): Uncertain significance. Review status: criteria provided, multiple submitters, no conflicts (2 of 4 stars). 4 submissions from 3 submitters: Uncertain significance (4). Last evaluated 2024-11-20.

Conditions:
Bardet-Biedl syndrome (BBS). Identifiers: Orphanet 110, MedGen C0752166, MONDO:0015229.
Retinitis pigmentosa (RP). Identifiers: Orphanet 791, MedGen C0035334, MeSH D012174, MONDO:0019200, OMIM 268000. Inheritance: Autosomal dominant, autosomal recessive and X linked inheritance.
Bardet-Biedl syndrome 8 (BBS8). Identifiers: Orphanet 110, MedGen C1859566, MONDO:0014436, OMIM 615985.

Allele frequency attached by ClinVar (database versions not stated): gnomAD 0.00001.
gnomAD v4.1: 15 of 1,613,240 alleles (0.00093%); highest among the groups gnomAD compares: African/African-American, 0.0013%; no homozygotes.

Submissions (4):

Blueprint Genetics
Classification: Uncertain significance. Last evaluated: 2024-11-20. Review status: criteria provided, single submitter. Criteria: ACMG Guidelines, 2015. Collection method: clinical testing. Allele origin: germline.

Labcorp Genetics (formerly Invitae), Labcorp
Classification: Uncertain significance for Bardet-Biedl syndrome. Last evaluated: 2022-05-29. Review status: criteria provided, single submitter. Criteria: Invitae Variant Classification Sherloc (09022015). Collection method: clinical testing. Allele origin: germline.
Comment: This variant is present in population databases (no rsID available, gnomAD 0.007%). This sequence change replaces alanine, which is neutral and non-polar, with threonine, which is neutral and polar, at codon 204 of the TTC8 protein (p.Ala204Thr). This variant has not been reported in the literature in individuals affected with TTC8-related conditions. In summary, the available evidence is currently insufficient to determine the role of this variant in disease. Therefore, it has been classified as a Variant of Uncertain Significance. Algorithms developed to predict the effect of missense changes on protein structure and function (SIFT, PolyPhen-2, Align-GVGD) all suggest that this variant is likely to be tolerated. ClinVar contains an entry for this variant (Variation ID: 888085).

Illumina Laboratory Services, Illumina
Classification: Uncertain significance for Bardet-Biedl syndrome 8. Last evaluated: 2017-04-27. Review status: criteria provided, single submitter. Criteria: ICSL Variant Classification Criteria 13 December 2019. Collection method: clinical testing. Allele origin: germline.

Illumina Laboratory Services, Illumina
Classification: Uncertain significance for Retinitis pigmentosa. Last evaluated: 2017-04-27. Review status: criteria provided, single submitter. Criteria: ICSL Variant Classification Criteria 13 December 2019. Collection method: clinical testing. Allele origin: germline.

NM_144596.4(TTC8):c.640G>A (p.Ala214Thr)

Gene: TTC8 (tetratricopeptide repeat domain 8; plus strand). Cytogenetic location: 14q31.3.
Variant type: single nucleotide variant.
Coding change: c.640G>A on transcript NM_144596.4 (MANE Select); coding-DNA position 640, G replaced by A.
Protein change: p.Ala214Thr; replaces alanine 214 with threonine.
Molecular consequence: missense variant. On other transcripts: 5 prime UTR variant (1), non-coding transcript variant (1).
Genome position (GRCh38, 1-based): chr14:88,852,986, G>A. VCF-style: chr14-88852986-G-A. GRCh37 (hg19) VCF-style: chr14-89319330-G-A.
Other names: c.688G>A, p.Ala230Thr (NM_001288781.1); c.46G>A, p.Ala16Thr (NM_001288782.1); c.-78G>A (NM_001288783.1); c.610G>A, p.Ala204Thr (NM_001366535.2, NM_198309.3); c.520G>A, p.Ala174Thr (NM_001366536.2, NM_198310.3); short protein forms A16T, A174T, A204T, A214T, A230T.
Identifiers: ClinVar variation 888085 (VCV000888085.11), dbSNP rs1295139564, ClinGen allele CA390544380.
Genomic context (GRCh38, chr14:88,852,986, plus strand): 5'-TTGTTAGAAAAGAAAATACTAATCTAAAATGAATTGTTTTCAAAGGCTTTGGATCTGGCT[G>A]CCCTCTCCACAGAACATTCTCAGTACAAGGACTGGTGGTGGAAAGTACAGATTGGAAAAT-3'
Protein context (NP_653197.2, residues 204-224): NDVKTALDLA[Ala214Thr]LSTEHSQYKD